The following is an entry in ClinVar:

NM_002067.5(GNA11):c.341G>A (p.Arg114Gln)

Gene: GNA11 (G protein subunit alpha 11; plus strand). Cytogenetic location: 19p13.3.
Variant type: single nucleotide variant.
Coding change: c.341G>A on transcript NM_002067.5 (MANE Select); coding-DNA position 341, G replaced by A.
Protein change: p.Arg114Gln; replaces arginine 114 with glutamine.
Molecular consequence: missense variant.
Genome position (GRCh38, 1-based): chr19:3,113,349, G>A. VCF-style: chr19-3113349-G-A. GRCh37 (hg19) VCF-style: chr19-3113347-G-A.
Other names: p.Arg114Gln; short protein forms R114Q.
Identifiers: ClinVar variation 3380559 (VCV003380559.1).

ClinVar aggregate classification (germline): Uncertain significance (1 of 4 stars; one submission).

gnomAD v4.1: 21 of 1,613,404 alleles (0.0013%); highest among the groups gnomAD compares: East Asian, 0.0022%; no homozygotes.

Submission:

Mayo Clinic Laboratories, Mayo Clinic
Classification: Uncertain significance. Last evaluated: 2023-09-19. Review status: criteria provided, single submitter. Criteria: ACMG Guidelines, 2015. Collection method: clinical testing. Allele origin: germline. Observed: 1 variant allele.
Comment: BP4